The following is an entry in ClinVar:

NM_001298.3(CNGA3):c.205G>A (p.Gly69Arg)

Gene: CNGA3 (cyclic nucleotide gated channel subunit alpha 3; plus strand). Cytogenetic location: 2q11.2.
Variant type: single nucleotide variant.
Coding change: c.205G>A on transcript NM_001298.3 (MANE Select); coding-DNA position 205, G replaced by A.
Protein change: p.Gly69Arg; replaces glycine 69 with arginine.
Molecular consequence: missense variant.
Genome position (GRCh38, 1-based): chr2:98,377,790, G>A. VCF-style: chr2-98377790-G-A. GRCh37 (hg19) VCF-style: chr2-98994253-G-A.
Other names: c.205G>A, p.Gly69Arg (NM_001079878.2); short protein forms G69R.
Identifiers: ClinVar variation 1436250 (VCV001436250.7), dbSNP rs980089967, ClinGen allele CA52620712.
Genomic context (GRCh38, chr2:98,377,790, plus strand): 5'-GGGATCGCCATGGAGACCAGAGGACTGGCTGACTCCGGGCAGGGCTCCTTCACCGGCCAG[G>A]GGATCGCCAGGTAACTGACCAGCCTCAGTCCCTACCTTGGCCTGGGGGACACTGTTGCAG-3'
Protein context (NP_001289.1, residues 59-79): DSGQGSFTGQ[Gly69Arg]IARLSRLIFL

ClinVar aggregate classification (germline): Uncertain significance (1 of 4 stars; one submission).

Allele frequency attached by ClinVar (database versions not stated): gnomAD exomes below 0.00001; gnomAD 0.00001; TOPMed 0.00001.
gnomAD v4.1: 19 of 1,610,612 alleles (0.0012%); highest among the groups gnomAD compares: South Asian, 0.0022%; no homozygotes.

Submission:

Labcorp Genetics (formerly Invitae), Labcorp
Classification: Uncertain significance. Last evaluated: 2022-06-27. Review status: criteria provided, single submitter. Criteria: Invitae Variant Classification Sherloc (09022015). Collection method: clinical testing. Allele origin: germline.
Comment: In summary, the available evidence is currently insufficient to determine the role of this variant in disease. Therefore, it has been classified as a Variant of Uncertain Significance. Advanced modeling of protein sequence and biophysical properties (such as structural, functional, and spatial information, amino acid conservation, physicochemical variation, residue mobility, and thermodynamic stability) performed at Invitae indicates that this missense variant is not expected to disrupt CNGA3 protein function. This variant has not been reported in the literature in individuals affected with CNGA3-related conditions. The frequency data for this variant in the population databases is considered unreliable, as metrics indicate poor data quality at this position in the gnomAD database. This sequence change replaces glycine, which is neutral and non-polar, with arginine, which is basic and polar, at codon 69 of the CNGA3 protein (p.Gly69Arg).